The following is an entry in ClinVar:

NM_000531.6(OTC):c.572T>G (p.Leu191Arg)

Gene: OTC (ornithine transcarbamylase; plus strand). Cytogenetic location: Xp11.4.
Variant type: single nucleotide variant.
Coding change: c.572T>G on transcript NM_000531.6 (MANE Select); coding-DNA position 572, T replaced by G.
Protein change: p.Leu191Arg; replaces leucine 191 with arginine.
Molecular consequence: missense variant.
Genome position (GRCh38, 1-based): chrX:38,403,649, T>G. VCF-style: chrX-38403649-T-G. GRCh37 (hg19) VCF-style: chrX-38262902-T-G.
Other names: short protein forms L191R.
Identifiers: ClinVar variation 93222 (VCV000093222.7), dbSNP rs72556297, ClinGen allele CA221092.

ClinVar aggregate classification (germline): Uncertain significance. Review status: criteria provided, single submitter (1 of 4 stars). 2 submissions from 2 submitters: Uncertain significance (1). 1 of the submissions does not count toward it. Last evaluated 2013-06-10.

Submissions (2):

Eurofins Ntd Llc (ga)
Classification: Uncertain significance. Last evaluated: 2013-06-10. Review status: criteria provided, single submitter. Criteria: EGL Classification Definitions 2015. Collection method: clinical testing. Allele origin: germline. Observed: 1 variant allele, 1 heterozygote.

GenMed Metabolism Lab
Classification: Pathogenic. Review status: no assertion criteria provided. Collection method: not provided. Allele origin: unknown. Not counted in ClinVar's aggregate classification.
Comment: p.Leu191Arg, Neonatal
ClinVar note: Converted during submission from pathogenic to Pathogenic.